The following is an entry in ClinVar:

NM_002335.4(LRP5):c.2414G>A (p.Arg805Gln)

Gene: LRP5 (LDL receptor related protein 5; plus strand). Cytogenetic location: 11q13.2.
Variant type: single nucleotide variant.
Coding change: c.2414G>A on transcript NM_002335.4 (MANE Select); coding-DNA position 2414, G replaced by A.
Protein change: p.Arg805Gln; replaces arginine 805 with glutamine.
Molecular consequence: missense variant.
Genome position (GRCh38, 1-based): chr11:68,411,531, G>A. VCF-style: chr11-68411531-G-A. GRCh37 (hg19) VCF-style: chr11-68178999-G-A.
Other names: c.671G>A, p.Arg224Gln (NM_001291902.2); short protein forms R224Q, R805Q.
Identifiers: ClinVar variation 1062021 (VCV001062021.10), dbSNP rs565245995, ClinGen allele CA224273609.

ClinVar aggregate classification (germline): Conflicting classifications of pathogenicity. Review status: criteria provided, conflicting classifications (1 of 4 stars). 2 submissions from 2 submitters: Likely pathogenic (1); Uncertain significance (1). Last evaluated 2025-06-07.

Conditions:
Bone mineral density quantitative trait locus 1 (BMND1). Identifiers: MedGen C1866079, OMIM 601884.
Worth disease. Also called: ENDOSTEAL HYPEROSTOSIS, AUTOSOMAL DOMINANT; OSTEOSCLEROSIS, AUTOSOMAL DOMINANT; Autosomal dominant osteosclerosis, Worth type. Identifiers: Orphanet 2790, MedGen C0432273, MONDO:0007764, OMIM 144750.
Exudative vitreoretinopathy 4 (EVR4). Identifiers: Orphanet 891, MedGen C1866176, MONDO:0011151, OMIM 601813.
Osteoporosis. Identifiers: MedGen C0029456, MONDO:0005298, OMIM 166710, HP:0000939.
Polycystic liver disease 4 with or without kidney cysts. Identifiers: MedGen C4693479, MONDO:0044327, OMIM 617875.
Exudative vitreoretinopathy 1 (EVR1). Also called: CRISWICK-SCHEPENS SYNDROME; FEVR, AUTOSOMAL DOMINANT; Familial exudative vitreoretinopathy, autosomal dominant. Identifiers: Orphanet 891, Orphanet 90050, MedGen C1851402, MONDO:0007589, OMIM 133780.
Autosomal dominant osteopetrosis 1 (OPTA1). Also called: OSTEOPETROSIS, AUTOSOMAL DOMINANT, TYPE I. Identifiers: Orphanet 2783, MedGen C1843330, MONDO:0011877, OMIM 607634.
Osteoporosis with pseudoglioma (OPPG). Also called: osteoporosis-pseudoglioma syndrome. Identifiers: Orphanet 2788, MedGen C0432252, MONDO:0009820, OMIM 259770.

Allele frequency attached by ClinVar (database versions not stated): gnomAD exomes 0.00001 and 0.00002; gnomAD 0.00003 and 0.00004; TOPMed 0.00010.
gnomAD v4.1: 19 of 1,613,684 alleles (0.0012%); highest among the groups gnomAD compares: Admixed American, 0.015%; no homozygotes.

Submissions (2):

Labcorp Genetics (formerly Invitae), Labcorp
Classification: Likely pathogenic. Last evaluated: 2025-06-07. Review status: criteria provided, single submitter. Criteria: Invitae Variant Classification Sherloc (09022015). Collection method: clinical testing. Allele origin: germline.
Comment: This sequence change replaces arginine, which is basic and polar, with glutamine, which is neutral and polar, at codon 805 of the LRP5 protein (p.Arg805Gln). This variant is present in population databases (rs565245995, gnomAD 0.01%). This variant has not been reported in the literature in individuals affected with LRP5-related conditions. ClinVar contains an entry for this variant (Variation ID: 1062021). Invitae Evidence Modeling of protein sequence and biophysical properties (such as structural, functional, and spatial information, amino acid conservation, physicochemical variation, residue mobility, and thermodynamic stability) has been performed for this missense variant. However, the output from this modeling did not meet the statistical confidence thresholds required to predict the impact of this variant on LRP5 protein function. This variant disrupts the p.Arg805 amino acid residue in LRP5. Other variant(s) that disrupt this residue have been determined to be pathogenic (PMID: 19324841, 33118644). This suggests that this residue is clinically significant, and that variants that disrupt this residue are likely to be disease-causing. In summary, the currently available evidence indicates that the variant is pathogenic, but additional data are needed to prove that conclusively. Therefore, this variant has been classified as Likely Pathogenic.

Fulgent Genetics
Classification: Uncertain significance for Exudative vitreoretinopathy 1; Worth disease; Osteoporosis; Osteoporosis with pseudoglioma; Exudative vitreoretinopathy 4; Bone mineral density quantitative trait locus 1; Autosomal dominant osteopetrosis 1; Polycystic liver disease 4 with or without kidney cysts. Last evaluated: 2021-07-06. Review status: criteria provided, single submitter. Criteria: ACMG Guidelines, 2015. Collection method: clinical testing. Allele origin: unknown.

Literature cited by the submitters: PubMed 19324841 (cited by Labcorp Genetics (formerly Invitae), Labcorp); PubMed 33118644 (cited by Labcorp Genetics (formerly Invitae), Labcorp).